The following is an entry in ClinVar:

NM_000503.6(EYA1):c.1475+15G>A

Gene: EYA1 (EYA transcriptional coactivator and phosphatase 1; minus strand). Cytogenetic location: 8q13.3.
Variant type: single nucleotide variant.
Coding change: c.1475+15G>A on transcript NM_000503.6 (MANE Select); 15 bases into the intron after coding-DNA position 1475, G replaced by A.
Molecular consequence: intron variant.
Genome position (GRCh38, 1-based): chr8:71,215,599, C>T on the plus strand (G>A on the coding strand, the complement: EYA1 is on the minus strand). VCF-style: chr8-71215599-C-T. GRCh37 (hg19) VCF-style: chr8-72127834-C-T.
Other names: c.1454+15G>A (NM_001370336.1); c.1562+15G>A (NM_001370333.1); c.1475+15G>A (NM_001370335.1, NM_001370334.1, NM_172058.4); c.1457+15G>A (NM_172059.5, NM_001288574.2); c.1109+15G>A (NM_001288575.2).
Identifiers: ClinVar variation 363648 (VCV000363648.11), dbSNP rs373917012, ClinGen allele CA4779451.

ClinVar aggregate classification (germline): Benign/Likely benign. Review status: criteria provided, multiple submitters, no conflicts (2 of 4 stars). 4 submissions from 3 submitters: Benign (2); Likely benign (2). Last evaluated 2026-01-05.

Conditions:
Branchiootic syndrome 1 (BOS1). Also called: BO SYNDROME 1; BRANCHIOOTIC DYSPLASIA. Identifiers: MedGen C1865143, MONDO:0011258, OMIM 602588.
Melnick-Fraser syndrome (BOR). Also called: Branchiootorenal syndrome; Branchio-oto-renal syndrome; Branchiootorenal Syndrome (BORS). Identifiers: Orphanet 107, MedGen C0265234, MONDO:0007029.
Otofaciocervical syndrome 1 (OTFCS). Identifiers: MedGen C3714941, MONDO:0024532, OMIM 166780.

Allele frequency attached by ClinVar (database versions not stated): TOPMed 0.00018.
gnomAD v4.1: 96 of 1,612,276 alleles (0.006%); highest among the groups gnomAD compares: African/African-American, 0.052%; 1 homozygote.

Submissions (4):

Labcorp Genetics (formerly Invitae), Labcorp
Classification: Likely benign for Melnick-Fraser syndrome. Last evaluated: 2026-01-05. Review status: criteria provided, single submitter. Criteria: Invitae Variant Classification Sherloc (09022015). Collection method: clinical testing. Allele origin: germline.

Blueprint Genetics
Classification: Likely benign. Last evaluated: 2024-08-22. Review status: criteria provided, single submitter. Criteria: ACMG Guidelines, 2015. Collection method: clinical testing. Allele origin: germline.

Illumina Laboratory Services, Illumina
Classification: Benign for Branchiootic syndrome. Last evaluated: 2018-01-13. Review status: criteria provided, single submitter. Criteria: ICSL Variant Classification Criteria 13 December 2019. Collection method: clinical testing. Allele origin: germline.
Comment: This variant was observed in the ICSL laboratory as part of a predisposition screen in an ostensibly healthy population. It had not been previously curated by ICSL or reported in the Human Gene Mutation Database (HGMD: prior to June 1st, 2018), and was therefore a candidate for classification through an automated scoring system. Utilizing variant allele frequency, disease prevalence and penetrance estimates, and inheritance mode, an automated score was calculated to assess if this variant is too frequent to cause the disease. Based on the score and internal cut-off values, a variant classified as benign is not then subjected to further curation. The score for this variant resulted in a classification of benign for this disease.

Illumina Laboratory Services, Illumina
Classification: Benign for Otofaciocervical syndrome 1. Last evaluated: 2018-01-13. Review status: criteria provided, single submitter. Criteria: ICSL Variant Classification Criteria 13 December 2019. Collection method: clinical testing. Allele origin: germline.
Comment: the same text as in the submission from Illumina Laboratory Services, Illumina above.